The following is an entry in ClinVar:

NM_001258392.3(CLPB):c.964A>G (p.Ser322Gly)

Gene: CLPB (ClpB family mitochondrial disaggregase; minus strand). Cytogenetic location: 11q13.4.
Variant type: single nucleotide variant.
Coding change: c.964A>G on transcript NM_001258392.3 (MANE Select); coding-DNA position 964, A replaced by G.
Protein change: p.Ser322Gly; replaces serine 322 with glycine.
Molecular consequence: missense variant.
Genome position (GRCh38, 1-based): chr11:72,317,130, T>C on the plus strand (A>G on the coding strand, the complement: CLPB is on the minus strand). VCF-style: chr11-72317130-T-C. GRCh37 (hg19) VCF-style: chr11-72028174-T-C.
Other names: c.877A>G, p.Ser293Gly (NM_001258393.3); c.919A>G, p.Ser307Gly (NM_001258394.3); c.1054A>G, p.Ser352Gly (NM_030813.6); short protein forms S293G, S307G, S322G, S352G.
Identifiers: ClinVar variation 3031220 (VCV003031220.4), dbSNP rs374708770, ClinGen allele CA6171320.

ClinVar aggregate classification (germline): Uncertain significance. Review status: criteria provided, multiple submitters, no conflicts (2 of 4 stars). 3 submissions from 3 submitters: Uncertain significance (2). 1 of the submissions does not count toward it. Last evaluated 2026-01-26.

Conditions:
CLPB-related disorder. Also called: CLPB-related condition.
3-methylglutaconic aciduria, type VIIB (MGCA7B). Also called: 3-methylglutaconic aciduria, type VII, with cataracts, neurologic involvement and neutropenia; CLPB Deficiency; 3-methylglutaconic aciduria with cataracts, neurologic involvement and neutropenia. Identifiers: Orphanet 445038, MedGen C5676893, MONDO:0014561, OMIM 616271.

Allele frequency attached by ClinVar (database versions not stated): gnomAD exomes below 0.00001; ExAC 0.00001; TOPMed 0.00001; ESP Exome Variant Server 0.00008.
gnomAD v4.1: 7 of 1,611,582 alleles (0.00043%); highest among the groups gnomAD compares: Non-Finnish European, 0.00051%; no homozygotes.

Submissions (3):

Labcorp Genetics (formerly Invitae), Labcorp
Classification: Uncertain significance for 3-methylglutaconic aciduria, type VIIB. Last evaluated: 2026-01-26. Review status: criteria provided, single submitter. Criteria: Invitae Variant Classification Sherloc (09022015). Collection method: clinical testing. Allele origin: germline.
Comment: This sequence change replaces serine, which is neutral and polar, with glycine, which is neutral and non-polar, at codon 352 of the CLPB protein (p.Ser352Gly). The frequency data for this variant in the population databases is considered unreliable, as metrics indicate poor data quality at this position in the gnomAD database. This variant has not been reported in the literature in individuals affected with CLPB-related conditions. ClinVar contains an entry for this variant (Variation ID: 3031220). An algorithm developed to predict the effect of missense changes on protein structure and function (PolyPhen-2) suggests that this variant is likely to be tolerated. In summary, the available evidence is currently insufficient to determine the role of this variant in disease. Therefore, it has been classified as a Variant of Uncertain Significance.

Blueprint Genetics
Classification: Uncertain significance. Last evaluated: 2024-04-19. Review status: criteria provided, single submitter. Criteria: ACMG Guidelines, 2015. Collection method: clinical testing. Allele origin: germline.

PreventionGenetics, part of Exact Sciences
Classification: Uncertain significance for CLPB-related condition. Last evaluated: 2024-02-26. Review status: no assertion criteria provided. Collection method: clinical testing. Allele origin: germline. Not counted in ClinVar's aggregate classification.
Comment: The CLPB c.1054A>G variant is predicted to result in the amino acid substitution p.Ser352Gly. To our knowledge, this variant has not been reported in the literature. This variant is reported in 0.00089% of alleles in individuals of European (Non-Finnish) descent in gnomAD. At this time, the clinical significance of this variant is uncertain due to the absence of conclusive functional and genetic evidence.